The following is an entry in ClinVar:

ClinVar aggregate classification (germline): Uncertain significance (1 of 4 stars; one submission).

Conditions:
Neuroblastoma, susceptibility to, 3. Also called: ALK-Related Neuroblastic Tumor Susceptibility. Identifiers: Orphanet 635, MedGen C2751681, MONDO:0013083, OMIM 613014.

Submission:

Labcorp Genetics (formerly Invitae), Labcorp
Classification: Uncertain significance for Neuroblastoma, susceptibility to, 3. Last evaluated: 2023-07-10. Review status: criteria provided, single submitter. Criteria: Invitae Variant Classification Sherloc (09022015). Collection method: clinical testing. Allele origin: germline.
Comment: This sequence change replaces proline, which is neutral and non-polar, with alanine, which is neutral and non-polar, at codon 961 of the ALK protein (p.Pro961Ala). This variant is not present in population databases (gnomAD no frequency). This variant has not been reported in the literature in individuals affected with ALK-related conditions. ClinVar contains an entry for this variant (Variation ID: 1006706). An algorithm developed to predict the effect of missense changes on protein structure and function (PolyPhen-2) suggests that this variant is likely to be disruptive. In summary, the available evidence is currently insufficient to determine the role of this variant in disease. Therefore, it has been classified as a Variant of Uncertain Significance.

NM_004304.5(ALK):c.2881C>G (p.Pro961Ala)

Gene: ALK (ALK receptor tyrosine kinase; minus strand). Cytogenetic location: 2p23.2.
Variant type: single nucleotide variant.
Coding change: c.2881C>G on transcript NM_004304.5 (MANE Select); coding-DNA position 2881, C replaced by G.
Protein change: p.Pro961Ala; replaces proline 961 with alanine.
Molecular consequence: missense variant.
Genome position (GRCh38, 1-based): chr2:29,227,607, G>C on the plus strand (C>G on the coding strand, the complement: ALK is on the minus strand). VCF-style: chr2-29227607-G-C. GRCh37 (hg19) VCF-style: chr2-29450473-G-C.
Other names: short protein forms P961A.
Identifiers: ClinVar variation 1006706 (VCV001006706.8), dbSNP rs1664044463, ClinGen allele CA346468418.